The following is an entry in ClinVar:

NM_006904.7(PRKDC):c.6140C>A (p.Thr2047Asn)

Gene: PRKDC (protein kinase, DNA-activated, catalytic subunit; minus strand). Cytogenetic location: 8q11.21.
Variant type: single nucleotide variant.
Coding change: c.6140C>A on transcript NM_006904.7 (MANE Select); coding-DNA position 6140, C replaced by A.
Protein change: p.Thr2047Asn; replaces threonine 2047 with asparagine.
Molecular consequence: missense variant.
Genome position (GRCh38, 1-based): chr8:47,859,678, G>T on the plus strand (C>A on the coding strand, the complement: PRKDC is on the minus strand). VCF-style: chr8-47859678-G-T. GRCh37 (hg19) VCF-style: chr8-48772239-G-T.
Other names: c.6140C>A, p.Thr2047Asn (NM_001081640.2); short protein forms T2047N.
Identifiers: ClinVar variation 3425340 (VCV003425340.1).

ClinVar aggregate classification (germline): Uncertain significance (1 of 4 stars; one submission).

Submission:

Ambry Genetics
Classification: Uncertain significance. Last evaluated: 2024-09-26. Review status: criteria provided, single submitter. Criteria: Ambry Variant Classification Scheme 2023. Collection method: clinical testing. Allele origin: germline.
Comment: The p.T2047N variant (also known as c.6140C>A), located in coding exon 46 of the PRKDC gene, results from a C to A substitution at nucleotide position 6140. The threonine at codon 2047 is replaced by asparagine, an amino acid with similar properties. This amino acid position is conserved. Based on the available evidence, the clinical significance of this variant remains unclear.